The following is an entry in ClinVar:

NM_024757.5(EHMT1):c.3801C>T (p.Ser1267=)

Gene: EHMT1 (euchromatic histone lysine methyltransferase 1; plus strand). Cytogenetic location: 9q34.3.
Variant type: single nucleotide variant.
Coding change: c.3801C>T on transcript NM_024757.5 (MANE Select); coding-DNA position 3801, C replaced by T.
Protein change: p.Ser1267=; no amino-acid change (serine 1267 retained).
Molecular consequence: synonymous variant.
Genome position (GRCh38, 1-based): chr9:137,834,857, C>T. VCF-style: chr9-137834857-C-T. GRCh37 (hg19) VCF-style: chr9-140729309-C-T.
Other names: c.3780C>T, p.Ser1260= (NM_001354263.2).
Identifiers: ClinVar variation 588335 (VCV000588335.7), dbSNP rs775985514, ClinGen allele CA5375480.

ClinVar aggregate classification (germline): Likely benign. Review status: criteria provided, single submitter (1 of 4 stars). 2 submissions from 2 submitters: Likely benign (1). 1 of the submissions does not count toward it. Last evaluated 2016-10-24.

Conditions:
Inborn genetic diseases. Identifiers: MedGen C0950123, MeSH D030342.
EHMT1-related disorder. Also called: EHMT1-related condition.

gnomAD v4.1: 4 of 1,611,698 alleles (0.00025%); highest among the groups gnomAD compares: South Asian, 0.0022%; no homozygotes.

Submissions (2):

Ambry Genetics
Classification: Likely benign for Inborn genetic diseases. Last evaluated: 2016-10-24. Review status: criteria provided, single submitter. Criteria: Ambry Variant Classification Scheme 2023. Collection method: clinical testing. Allele origin: germline.

PreventionGenetics, part of Exact Sciences
Classification: Likely benign for EHMT1-related condition. Last evaluated: 2019-09-17. Review status: no assertion criteria provided. Collection method: clinical testing. Allele origin: germline. Not counted in ClinVar's aggregate classification.
Comment: This variant is classified as likely benign based on ACMG/AMP sequence variant interpretation guidelines (Richards et al. 2015 PMID: 25741868, with internal and published modifications).